The following is an entry in ClinVar:

NM_198576.4(AGRN):c.946C>T (p.Pro316Ser)

Gene: AGRN (agrin; plus strand). Cytogenetic location: 1p36.33.
Variant type: single nucleotide variant.
Coding change: c.946C>T on transcript NM_198576.4 (MANE Select); coding-DNA position 946, C replaced by T.
Protein change: p.Pro316Ser; replaces proline 316 with serine.
Molecular consequence: missense variant.
Genome position (GRCh38, 1-based): chr1:1,041,391, C>T. VCF-style: chr1-1041391-C-T. GRCh37 (hg19) VCF-style: chr1-976771-C-T.
Other names: c.946C>T, p.Pro316Ser (NM_001305275.2); c.631C>T, p.Pro211Ser (NM_001364727.2); short protein forms P316S, P211S.
Identifiers: ClinVar variation 2145213 (VCV002145213.4), dbSNP rs780304904, ClinGen allele CA507942.

ClinVar aggregate classification (germline): Uncertain significance (1 of 4 stars; one submission).

Conditions:
Congenital myasthenic syndrome 8. Also called: Myasthenic syndrome, congenital, 8, with pre- and postsynaptic defects; MYASTHENIC SYNDROME, CONGENITAL, DUE TO AGRIN DEFICIENCY. Identifiers: Orphanet 590, MedGen C3808739, MONDO:0014052, OMIM 615120.

Allele frequency attached by ClinVar (database versions not stated): ExAC 0.00007.

Submission:

Labcorp Genetics (formerly Invitae), Labcorp
Classification: Uncertain significance for Congenital myasthenic syndrome 8. Last evaluated: 2022-07-06. Review status: criteria provided, single submitter. Criteria: Invitae Variant Classification Sherloc (09022015). Collection method: clinical testing. Allele origin: germline.
Comment: In summary, the available evidence is currently insufficient to determine the role of this variant in disease. Therefore, it has been classified as a Variant of Uncertain Significance. Algorithms developed to predict the effect of missense changes on protein structure and function are either unavailable or do not agree on the potential impact of this missense change (SIFT: "Tolerated"; PolyPhen-2: "Possibly Damaging"; Align-GVGD: "Class C0"). This variant has not been reported in the literature in individuals affected with AGRN-related conditions. This variant is present in population databases (rs780304904, gnomAD 0.002%). This sequence change replaces proline, which is neutral and non-polar, with serine, which is neutral and polar, at codon 316 of the AGRN protein (p.Pro316Ser).